The following is an entry in ClinVar:

ClinVar aggregate classification (germline): Likely pathogenic (1 of 4 stars; one submission).

Submission:

GeneDx
Classification: Likely pathogenic. Last evaluated: 2023-08-04. Review status: criteria provided, single submitter. Criteria: GeneDx Variant Classification Process June 2021. Collection method: clinical testing. Allele origin: germline. Affected: yes.
Comment: Nonsense variant predicted to result in protein truncation or nonsense mediated decay in a gene for which loss of function is a known mechanism of disease; Not observed at significant frequency in large population cohorts (gnomAD); Has not been previously published as pathogenic or benign to our knowledge

NM_001384125.1(BLTP1):c.4733C>A (p.Ser1578Ter)

Gene: BLTP1 (bridge-like lipid transfer protein family member 1; plus strand). Cytogenetic location: 4q27.
Variant type: single nucleotide variant.
Coding change: c.4733C>A on transcript NM_001384125.1 (MANE Select); coding-DNA position 4733, C replaced by A.
Protein change: p.Ser1578Ter; replaces serine 1578 with a stop codon.
Molecular consequence: nonsense.
Genome position (GRCh38, 1-based): chr4:122,243,059, C>A. VCF-style: chr4-122243059-C-A. GRCh37 (hg19) VCF-style: chr4-123164214-C-A.
Other names: c.4733C>A, p.Ser1578Ter (NM_015312.4); short protein forms S1578*.
Identifiers: ClinVar variation 3361861 (VCV003361861.1).